The following is an entry in ClinVar:

ClinVar aggregate classification (germline): Uncertain significance (1 of 4 stars; one submission).

Conditions:
Inborn genetic diseases. Identifiers: MedGen C0950123, MeSH D030342.

Submission:

Ambry Genetics
Classification: Uncertain significance for Inborn genetic diseases. Last evaluated: 2025-04-07. Review status: criteria provided, single submitter. Criteria: Ambry Variant Classification Scheme 2023. Collection method: clinical testing. Allele origin: germline.
Comment: The c.694A>T (p.S232C) alteration is located in exon 9 (coding exon 8) of the TAOK1 gene. This alteration results from an A to T substitution at nucleotide position 694, causing the serine (S) at amino acid position 232 to be replaced by a cysteine (C). This variant was not reported in population-based cohorts in the Genome Aggregation Database (gnomAD). This amino acid position is highly conserved in available vertebrate species. This missense alteration is located in a region that has a low rate of benign missense variation (Lek, 2016; Firth, 2009). This alteration is predicted to be deleterious by in silico analysis. Based on insufficient or conflicting evidence, the clinical significance of this alteration remains unclear.

NM_020791.4(TAOK1):c.694A>T (p.Ser232Cys)

Gene: TAOK1 (TAO kinase 1; plus strand). Cytogenetic location: 17q11.2.
Variant type: single nucleotide variant.
Coding change: c.694A>T on transcript NM_020791.4 (MANE Select); coding-DNA position 694, A replaced by T.
Protein change: p.Ser232Cys; replaces serine 232 with cysteine.
Molecular consequence: missense variant.
Genome position (GRCh38, 1-based): chr17:29,489,702, A>T. VCF-style: chr17-29489702-A-T. GRCh37 (hg19) VCF-style: chr17-27816720-A-T.
Other names: c.694A>T, p.Ser232Cys (NM_025142.1); short protein forms S232C.
Identifiers: ClinVar variation 3804148 (VCV003804148.2).